The following is an entry in ClinVar:

NM_001079802.2(FKTN):c.-88-247T>A

Gene: FKTN (fukutin; plus strand). Cytogenetic location: 9q31.2.
Variant type: single nucleotide variant.
Coding change: c.-88-247T>A on transcript NM_001079802.2 (MANE Select); 247 bases into the intron before 88 bases upstream of the start codon, T replaced by A.
Molecular consequence: intron variant.
Genome position (GRCh38, 1-based): chr9:105,574,698, T>A. VCF-style: chr9-105574698-T-A. GRCh37 (hg19) VCF-style: chr9-108336979-T-A.
Other names: c.-88-247T>A (NM_006731.2, NM_001351496.2, NM_001198963.2 and 1 more transcripts); c.-602-247T>A (NM_001351502.2, NM_001351499.2, NM_001351500.2 and 1 more transcripts); c.-255-247T>A (NM_001351497.2).
Identifiers: ClinVar variation 674071 (VCV000674071.1), dbSNP rs145429432, ClinGen allele CA197412711.

ClinVar aggregate classification (germline): Likely benign (1 of 4 stars; one submission).

Allele frequency attached by ClinVar (database versions not stated): 1000 Genomes Project 30x 0.00531; 1000 Genomes Project 0.00539; TOPMed 0.01314; gnomAD 0.01368 and 0.01398.
gnomAD v4.1: 2,087 of 152,276 alleles (1.4%); highest among the groups gnomAD compares: Non-Finnish European, 2.3%; 20 homozygotes.

Submission:

GeneDx
Classification: Likely benign. Last evaluated: 2018-06-16. Review status: criteria provided, single submitter. Criteria: GeneDx Variant Classification (06012015). Collection method: clinical testing. Allele origin: germline. Affected: yes.
Comment: This variant is considered likely benign or benign based on one or more of the following criteria: it is a conservative change, it occurs at a poorly conserved position in the protein, it is predicted to be benign by multiple in silico algorithms, and/or has population frequency not consistent with disease.